The following is an entry in ClinVar:

NM_001374736.1(DST):c.13705G>A (p.Asp4569Asn)

Gene: DST (dystonin; minus strand). Cytogenetic location: 6p12.1.
Variant type: single nucleotide variant.
Coding change: c.13705G>A on transcript NM_001374736.1 (MANE Select); coding-DNA position 13705, G replaced by A.
Protein change: p.Asp4569Asn; replaces aspartic acid 4569 with asparagine.
Molecular consequence: missense variant.
Genome position (GRCh38, 1-based): chr6:56,572,116, C>T on the plus strand (G>A on the coding strand, the complement: DST is on the minus strand). VCF-style: chr6-56572116-C-T. GRCh37 (hg19) VCF-style: chr6-56436914-C-T.
Other names: c.7348G>A, p.Asp2450Asn (NM_001144769.5); c.6934G>A, p.Asp2312Asn (NM_001144770.2); c.13705G>A, p.Asp4569Asn (NM_001374722.1); c.13072G>A, p.Asp4358Asn (NM_001374729.1); c.6814G>A, p.Asp2272Asn (NM_001374730.1, NM_183380.4); c.13732G>A, p.Asp4578Asn (NM_001374734.1); c.5836G>A, p.Asp1946Asn (NM_015548.5); short protein forms D1946N, D2272N, D4358N, D2312N, D2450N, D4569N, D4578N.
Identifiers: ClinVar variation 967511 (VCV000967511.8), dbSNP rs759202844, ClinGen allele CA3868178.

ClinVar aggregate classification (germline): Uncertain significance. Review status: criteria provided, multiple submitters, no conflicts (2 of 4 stars). 3 submissions from 3 submitters: Uncertain significance (3). Last evaluated 2026-08-12.

Conditions:
DST-related disorder. Also called: DST-related condition; DST-related disorders.
Inborn genetic diseases. Identifiers: MedGen C0950123, MeSH D030342.
Epidermolysis bullosa simplex 3, localized or generalized intermediate, with BP230 deficiency (EBS3). Also called: Epidermolysis bullosa simplex, autosomal recessive 2; Epidermolysis bullosa simplex due to BP230 deficiency. Identifiers: Orphanet 412181, MedGen C3809470, MONDO:0014180, OMIM 615425.
Hereditary sensory and autonomic neuropathy type 6. Also called: HSAN VI; Neuropathy, hereditary sensory and autonomic, type VI. Identifiers: Orphanet 314381, MedGen C3539003, MONDO:0013839, OMIM 614653.

Allele frequency attached by ClinVar (database versions not stated): ExAC below 0.00001; gnomAD 0.00023 and 0.00025; TOPMed 0.00035.
gnomAD v4.1: 311 of 1,500,942 alleles (0.021%); highest among the groups gnomAD compares: Admixed American, 0.1%; no homozygotes.

Submissions (3):

PreventionGenetics, part of Exact Sciences
Classification: Uncertain significance for DST-related condition. Last evaluated: 2026-08-12. Review status: criteria provided, single submitter. Criteria: ACMG Guidelines, 2015. Collection method: clinical testing. Allele origin: germline.
Comment: The DST c.7348G>A variant is predicted to result in the amino acid substitution p.Asp2450Asn. To our knowledge, this variant has not been reported in the literature. This variant is reported in 0.10% of alleles in individuals of Latino descent in gnomAD. Although we suspect that this variant may be benign, at this time, the clinical significance of this variant is uncertain due to the absence of conclusive functional and genetic evidence.

Ambry Genetics
Classification: Uncertain significance for Inborn genetic diseases. Last evaluated: 2022-11-03. Review status: criteria provided, single submitter. Criteria: Ambry Variant Classification Scheme 2023. Collection method: clinical testing. Allele origin: germline.
Comment: Unlikely to be causative of DST-related epidermolysis bullosa simplex (AR) Based on insufficient or conflicting evidence, the clinical significance of this alteration remains unclear.

Labcorp Genetics (formerly Invitae), Labcorp
Classification: Uncertain significance for Epidermolysis bullosa simplex 3, localized or generalized intermediate, with BP230 deficiency; Hereditary sensory and autonomic neuropathy type 6. Last evaluated: 2022-10-13. Review status: criteria provided, single submitter. Criteria: Invitae Variant Classification Sherloc (09022015). Collection method: clinical testing. Allele origin: germline.
Comment: The DST gene has multiple clinically relevant transcripts. This variant occurs in alternate transcript NM_015548.4, and corresponds to NM_001723.5:c.*43401G>A in the primary transcript. This sequence change replaces aspartic acid, which is acidic and polar, with asparagine, which is neutral and polar, at codon 1946 of the DST protein (p.Asp1946Asn). This variant is present in population databases (rs759202844, gnomAD 0.1%). This variant has not been reported in the literature in individuals affected with DST-related conditions. ClinVar contains an entry for this variant (Variation ID: 967511). Experimental studies and prediction algorithms are not available or were not evaluated, and the functional significance of this variant is currently unknown. In summary, the available evidence is currently insufficient to determine the role of this variant in disease. Therefore, it has been classified as a Variant of Uncertain Significance.